The following is an entry in ClinVar:

ClinVar aggregate classification (germline): Uncertain significance (1 of 4 stars; one submission).

Conditions:
Glycogen storage disease, type II (IOPD). Also called: Pompe Disease; CARDIOMEGALIA GLYCOGENICA DIFFUSA; GLYCOGENOSIS, GENERALIZED, CARDIAC FORM; GSD II; POMPE DISEASE, INFANTILE-ONSET; GLYCOGEN STORAGE DISEASE II, INFANTILE-ONSET. Identifiers: Orphanet 365, MedGen C0017921, MONDO:0009290, OMIM 232300.

Submission:

Genomenon, Inc
Classification: Uncertain significance for Glycogen storage disease, type II. Last evaluated: 2026-07-01. Review status: criteria provided, single submitter. Criteria: Genomenon Sequence Variant Interpretation Standards - Updated. Collection method: curation. Allele origin: germline. Affected: yes.
Comment: GAA p.Thr149Pro (c.445A>C) is a missense variant that changes the amino acid at codon 149 from Threonine to Proline. This variant has been observed in at least one proband with a GAA-related disorder in the compound heterozygous and/or homozygous state (PMID:28554557). It is absent or not present at a significant frequency in gnomAD. In conclusion, we classify GAA p.Thr149Pro (c.445A>C) as a variant of uncertain significance.

Literature cited by the submitters: PubMed 28554557.

NM_000152.5(GAA):c.445A>C (p.Thr149Pro)

Gene: GAA (alpha glucosidase; plus strand). Cytogenetic location: 17q25.3.
Variant type: single nucleotide variant.
Coding change: c.445A>C on transcript NM_000152.5 (MANE Select); coding-DNA position 445, A replaced by C.
Protein change: p.Thr149Pro; replaces threonine 149 with proline.
Molecular consequence: missense variant.
Genome position (GRCh38, 1-based): chr17:80,105,031, A>C. VCF-style: chr17-80105031-A-C. GRCh37 (hg19) VCF-style: chr17-78078830-A-C.
Other names: c.445A>C, p.Thr149Pro (NM_001079803.3, NM_001079804.3, NM_001406741.1 and 1 more transcripts); short protein forms T149P.
Identifiers: ClinVar variation 4876268 (VCV004876268.1).